The following is an entry in ClinVar:

NM_177438.3(DICER1):c.2040+4A>C

Gene: DICER1 (dicer 1, ribonuclease III; minus strand). Cytogenetic location: 14q32.13.
Variant type: single nucleotide variant.
Coding change: c.2040+4A>C on transcript NM_177438.3 (MANE Select); 4 bases into the intron after coding-DNA position 2040, A replaced by C.
Molecular consequence: intron variant.
Genome position (GRCh38, 1-based): chr14:95,113,088, T>G on the plus strand (A>C on the coding strand, the complement: DICER1 is on the minus strand). VCF-style: chr14-95113088-T-G. GRCh37 (hg19) VCF-style: chr14-95579425-T-G.
Other names: NR_172720.1:n.2385+4A>C; c.2040+4A>C (NM_001291628.2, NM_030621.4, NM_001395677.1 and 13 more transcripts); c.1635+4A>C (NM_001395690.1, NM_001395687.1, NM_001395689.1 and 3 more transcripts); c.1758+4A>C (NM_001395686.1); c.1473+4A>C (NM_001395691.1); c.357+4A>C (NM_001395697.1).
Identifiers: ClinVar variation 5021136 (VCV005021136.2).

ClinVar aggregate classification (germline): Uncertain significance. Review status: reviewed by expert panel (3 of 4 stars). 2 submissions from 2 submitters: Uncertain significance (1). 1 of the submissions does not count toward it. Last evaluated 2026-09-01.

Conditions:
Hereditary cancer-predisposing syndrome. Also called: Neoplastic Syndromes, Hereditary; Tumor predisposition; Hereditary Cancer Syndrome; Hereditary neoplastic syndrome. Identifiers: Orphanet 140162, MedGen C0027672, MeSH D009386, MONDO:0015356.
DICER1-related tumor predisposition. Also called: DICER1-related pleuropulmonary blastoma cancer predisposition syndrome; DICER1 syndrome. Identifiers: Orphanet 284343, MedGen C3839822, MONDO:0100216.

Submissions (2):

ClinGen DICER1 and miRNA-Processing Gene Variant Curation Expert Panel, ClinGen
Classification: Uncertain significance for DICER1-related tumor predisposition. Last evaluated: 2026-09-01. Review status: reviewed by expert panel. Criteria: ClinGen DICER1 and miRNA-Processing Gene Expert Panel Specifications to the ACMG/AMP Variant Interpretation Guidelines for DICER1 Version 1.4. Collection method: curation. Allele origin: germline. Inheritance: Autosomal dominant inheritance.
Comment: The NM_177438.3:c.2040+4A>C variant in DICER1 is an intronic variant resulting in an A to C substitution 4 nucleotides downstream from coding exon 12. This variant received a total of 0.5 phenotype points in a single proband. (PS4 not met; External lab contributor). At least one patient with this variant was found to have a somatic second hit in a recognized DICER1 hotspot codon on tumor sequencing, which is highly specific for DICER1-related tumor predisposition (PP4, External lab contributor). This variant is absent from gnomAD v4.1.1 (PM2_Supporting). The results from two in silico splicing predictors, MaxEntScan and SpliceAI, are borderline, supporting neither a damaging or benign impact on DICER1 function (PP3 and BP4 not met). In summary, this variant meets the criteria to be classified as Uncertain Significance for DICER1-related tumor predisposition based on the ACMG/AMP criteria applied, as specified by the ClinGen DICER1 VCEP: PP4, PM2_Supporting. (VCEP specifications version 1.4.0) Based on Tavtigian et al 2020 (PMID:32720330), the total points applied = 2, which equates to a classification of VUS.

Ambry Genetics
Classification: Likely pathogenic for Hereditary cancer-predisposing syndrome. Last evaluated: 2026-08-06. Review status: criteria provided, single submitter. Criteria: Ambry Variant Classification Scheme 2023. Collection method: clinical testing. Allele origin: germline. Not counted in ClinVar's aggregate classification.
Comment: The c.2040+4A>C intronic variant results from an A to C substitution 4 nucleotides after coding exon 11 in the DICER1 gene. At least one individual with this variant was found to have a somatic second hit in a recognized DICER1 hotspot codon on tumor sequencing (Ambry internal data). This nucleotide position is highly conserved in available vertebrate species. In silico splice site analysis predicts that this alteration may weaken the native splice donor site. RNA studies have demonstrated that this variant results in abnormal splicing in the set of samples tested (Ambry internal data). This variant is considered to be rare based on population cohorts in the Genome Aggregation Database (gnomAD). Based on the majority of available evidence to date, this variant is likely to be pathogenic.